The following is an entry in ClinVar:

NM_001128840.3(CACNA1D):c.5489T>C (p.Ile1830Thr)

Gene: CACNA1D (calcium voltage-gated channel subunit alpha1 D; plus strand). Cytogenetic location: 3p21.1.
Variant type: single nucleotide variant.
Coding change: c.5489T>C on transcript NM_001128840.3 (MANE Select); coding-DNA position 5489, T replaced by C.
Protein change: p.Ile1830Thr; replaces isoleucine 1830 with threonine.
Molecular consequence: missense variant.
Genome position (GRCh38, 1-based): chr3:53,803,476, T>C. VCF-style: chr3-53803476-T-C. GRCh37 (hg19) VCF-style: chr3-53837503-T-C.
Other names: c.5549T>C, p.Ile1850Thr (NM_000720.4); c.5417T>C, p.Ile1806Thr (NM_001128839.3); short protein forms I1806T, I1850T, I1830T.
Identifiers: ClinVar variation 1471978 (VCV001471978.8), dbSNP rs2106807996, ClinGen allele CA353253407.

ClinVar aggregate classification (germline): Uncertain significance (1 of 4 stars; one submission).

Allele frequency attached by ClinVar (database versions not stated): gnomAD exomes 0.00001.
gnomAD v4.1: 9 of 1,614,206 alleles (0.00056%); highest among the groups gnomAD compares: Non-Finnish European, 0.00076%; no homozygotes.

Submission:

Labcorp Genetics (formerly Invitae), Labcorp
Classification: Uncertain significance. Last evaluated: 2025-08-15. Review status: criteria provided, single submitter. Criteria: Invitae Variant Classification Sherloc (09022015). Collection method: clinical testing. Allele origin: germline.
Comment: This sequence change replaces isoleucine, which is neutral and non-polar, with threonine, which is neutral and polar, at codon 1850 of the CACNA1D protein (p.Ile1850Thr). This variant is not present in population databases (gnomAD no frequency). This variant has not been reported in the literature in individuals affected with CACNA1D-related conditions. ClinVar contains an entry for this variant (Variation ID: 1471978). An algorithm developed to predict the effect of missense changes on protein structure and function outputs the following: PolyPhen-2: "Benign". The threonine amino acid residue is found in multiple mammalian species, which suggests that this missense change does not adversely affect protein function. In summary, the available evidence is currently insufficient to determine the role of this variant in disease. Therefore, it has been classified as a Variant of Uncertain Significance.